The following is an entry in ClinVar:

ClinVar aggregate classification (germline): Likely pathogenic (1 of 4 stars; one submission).

Conditions:
Autosomal recessive limb-girdle muscular dystrophy type 2A (LGMDR1). Also called: Calpainopathy; LEYDEN-MOEBIUS MUSCULAR DYSTROPHY; MUSCULAR DYSTROPHY, PELVOFEMORAL; Limb-girdle muscular dystrophy, type 2A; Muscular dystrophy, limb-girdle, type 2A, Amish. Identifiers: Orphanet 267, MedGen C1869123, MONDO:0009675, OMIM 253600. Disease mechanism: loss of function.

Submission:

Labcorp Genetics (formerly Invitae), Labcorp
Classification: Likely pathogenic for Autosomal recessive limb-girdle muscular dystrophy type 2A. Last evaluated: 2021-05-10. Review status: criteria provided, single submitter. Criteria: Invitae Variant Classification Sherloc (09022015). Collection method: clinical testing. Allele origin: germline.
Comment: In summary, the currently available evidence indicates that the variant is pathogenic, but additional data are needed to prove that conclusively. Therefore, this variant has been classified as Likely Pathogenic. Algorithms developed to predict the effect of sequence changes on RNA splicing suggest that this variant may disrupt the consensus splice site, but this prediction has not been confirmed by published transcriptional studies. This variant has not been reported in the literature in individuals with CAPN3-related conditions. This variant is not present in population databases (ExAC no frequency). This sequence change affects an acceptor splice site in intron 5 of the CAPN3 gene. It is expected to disrupt RNA splicing. Variants that disrupt the donor or acceptor splice site typically lead to a loss of protein function (PMID: 16199547), and loss-of-function variants in CAPN3 are known to be pathogenic (PMID: 10330340, 15689361).

Literature cited by the submitters: PubMed 16199547; PubMed 10330340; PubMed 15689361.

NM_000070.3(CAPN3):c.802-2A>G

Gene: CAPN3 (calpain 3; plus strand). Cytogenetic location: 15q15.1.
Variant type: single nucleotide variant.
Coding change: c.802-2A>G on transcript NM_000070.3 (MANE Select); the canonical splice acceptor site of the intron before coding-DNA position 802, A replaced by G.
Molecular consequence: splice acceptor variant. On other transcripts: intron variant (1).
Genome position (GRCh38, 1-based): chr15:42,389,951, A>G. VCF-style: chr15-42389951-A-G. GRCh37 (hg19) VCF-style: chr15-42682149-A-G.
Other names: c.802-2A>G (NM_024344.2); c.801+855A>G (NM_173087.2).
Identifiers: ClinVar variation 1470251 (VCV001470251.8), dbSNP rs2141170197, ClinGen allele CA391998421.
Genomic context (GRCh38, chr15:42,389,951, plus strand): 5'-CCCTTCTGTGTTTGTTCTCTCCCTCCCCTGTGTTGTTCCCTACATTCTCCATCGGGCCTC[A>G]GGATGGCACGAACATGACCTATGGAACCTCTCCTTCTGGTCTGAACATGGGGGAGTTGAT-3'